The following is an entry in ClinVar:

ClinVar aggregate classification (germline): Conflicting classifications of pathogenicity. Review status: criteria provided, conflicting classifications (1 of 4 stars). 2 submissions from 2 submitters: Uncertain significance (1); Likely benign (1). Last evaluated 2024-11-19.

Submissions (2):

Blueprint Genetics
Classification: Likely benign. Last evaluated: 2024-11-19. Review status: criteria provided, single submitter. Criteria: ACMG Guidelines, 2015. Collection method: clinical testing. Allele origin: germline.

Labcorp Genetics (formerly Invitae), Labcorp
Classification: Uncertain significance. Last evaluated: 2024-09-04. Review status: criteria provided, single submitter. Criteria: Invitae Variant Classification Sherloc (09022015). Collection method: clinical testing. Allele origin: germline.
Comment: This sequence change replaces alanine, which is neutral and non-polar, with threonine, which is neutral and polar, at codon 4 of the EFEMP1 protein (p.Ala4Thr). This variant is present in population databases (rs753247102, gnomAD 0.05%). This variant has not been reported in the literature in individuals affected with EFEMP1-related conditions. An algorithm developed to predict the effect of missense changes on protein structure and function outputs the following: PolyPhen-2: "Benign". The threonine amino acid residue is found in multiple mammalian species, which suggests that this missense change does not adversely affect protein function. In summary, the available evidence is currently insufficient to determine the role of this variant in disease. Therefore, it has been classified as a Variant of Uncertain Significance.

NM_001039348.3(EFEMP1):c.10G>A (p.Ala4Thr)

Gene: EFEMP1 (EGF-like fibulin extracellular matrix protein 1; minus strand). Cytogenetic location: 2p16.1.
Variant type: single nucleotide variant.
Coding change: c.10G>A on transcript NM_001039348.3 (MANE Select); coding-DNA position 10, G replaced by A.
Protein change: p.Ala4Thr; replaces alanine 4 with threonine.
Molecular consequence: missense variant.
Genome position (GRCh38, 1-based): chr2:55,922,431, C>T on the plus strand (G>A on the coding strand, the complement: EFEMP1 is on the minus strand). VCF-style: chr2-55922431-C-T. GRCh37 (hg19) VCF-style: chr2-56149566-C-T.
Other names: c.10G>A, p.Ala4Thr (NM_001039349.3); short protein forms A4T.
Identifiers: ClinVar variation 3622052 (VCV003622052.3).
Genomic context (GRCh38, chr2:55,922,431, plus strand): 5'-TGGTTTCTTCGGTGTCCTGTGACTTGACCAGCGCCAGAGTCAGCATAGTTAGGAAAAGGG[C>T]TTTCAACATTGTGAATCTCAAAGAAAATACAGGACAAACTAATGTTTAGTATCTGCTGCG-3'
Protein context (NP_001034437.1, residues 1-14): MLK[Ala4Thr]LFLTMLTLAL